The following is an entry in ClinVar:

ClinVar aggregate classification (germline): Uncertain significance. Review status: criteria provided, multiple submitters, no conflicts (2 of 4 stars). 5 submissions from 5 submitters: Uncertain significance (5). Last evaluated 2024-12-18.

Conditions:
Inborn genetic diseases. Identifiers: MedGen C0950123, MeSH D030342.
LAMA2-related muscular dystrophy (LAMA2-RD). Also called: Laminin alpha 2-related dystrophy. Identifiers: MedGen C5679788, MONDO:0100228.

Allele frequency attached by ClinVar (database versions not stated): gnomAD exomes 0.00001.
gnomAD v4.1: 7 of 1,614,030 alleles (0.00043%); highest among the groups gnomAD compares: Non-Finnish European, 0.00059%; no homozygotes.

Submissions (5):

Women's Health and Genetics/Laboratory Corporation of America, LabCorp
Classification: Uncertain significance. Last evaluated: 2024-12-18. Review status: criteria provided, single submitter. Criteria: LabCorp Variant Classification Summary - May 2015. Collection method: clinical testing. Allele origin: germline.
Comment: Variant summary: LAMA2 c.4882G>A (p.Ala1628Thr) results in a non-conservative amino acid change in the encoded protein sequence. Three of five in-silico tools predict a damaging effect of the variant on protein function. The variant allele was found at a frequency of 8e-06 in 250800 control chromosomes. The available data on variant occurrences in the general population are insufficient to allow any conclusion about variant significance. To our knowledge, no occurrence of c.4882G>A in individuals affected with Merosin deficient congenital muscular dystrophy or other LAMA2-related disorders and no experimental evidence demonstrating its impact on protein function have been reported. ClinVar contains an entry for this variant (Variation ID: 1021049). Based on the evidence outlined above, the variant was classified as uncertain significance.

GeneDx
Classification: Uncertain significance. Last evaluated: 2024-10-24. Review status: criteria provided, single submitter. Criteria: GeneDx Variant Classification Process June 2021. Collection method: clinical testing. Allele origin: germline. Affected: yes.
Comment: Not observed at significant frequency in large population cohorts (gnomAD); In silico analysis indicates that this missense variant does not alter protein structure/function; Has not been previously published as pathogenic or benign to our knowledge

Labcorp Genetics (formerly Invitae), Labcorp
Classification: Uncertain significance for LAMA2-related muscular dystrophy. Last evaluated: 2023-11-04. Review status: criteria provided, single submitter. Criteria: Invitae Variant Classification Sherloc (09022015). Collection method: clinical testing. Allele origin: germline.
Comment: This sequence change replaces alanine, which is neutral and non-polar, with threonine, which is neutral and polar, at codon 1628 of the LAMA2 protein (p.Ala1628Thr). This variant is present in population databases (no rsID available, gnomAD 0.0009%). This variant has not been reported in the literature in individuals affected with LAMA2-related conditions. ClinVar contains an entry for this variant (Variation ID: 1021049). Advanced modeling of protein sequence and biophysical properties (such as structural, functional, and spatial information, amino acid conservation, physicochemical variation, residue mobility, and thermodynamic stability) performed at Invitae indicates that this missense variant is not expected to disrupt LAMA2 protein function with a negative predictive value of 95%. In summary, the available evidence is currently insufficient to determine the role of this variant in disease. Therefore, it has been classified as a Variant of Uncertain Significance.

Ambry Genetics
Classification: Uncertain significance for Inborn genetic diseases. Last evaluated: 2022-10-06. Review status: criteria provided, single submitter. Criteria: Ambry Variant Classification Scheme 2023. Collection method: clinical testing. Allele origin: germline.

Revvity Omics, Revvity
Classification: Uncertain significance. Last evaluated: 2021-03-19. Review status: criteria provided, single submitter. Criteria: ACMG Guidelines, 2015. Collection method: clinical testing. Allele origin: germline.

NM_000426.4(LAMA2):c.4882G>A (p.Ala1628Thr)

Gene: LAMA2 (laminin subunit alpha 2; plus strand). Cytogenetic location: 6q22.33.
Variant type: single nucleotide variant.
Coding change: c.4882G>A on transcript NM_000426.4 (MANE Select); coding-DNA position 4882, G replaced by A.
Protein change: p.Ala1628Thr; replaces alanine 1628 with threonine.
Molecular consequence: missense variant.
Genome position (GRCh38, 1-based): chr6:129,369,913, G>A. VCF-style: chr6-129369913-G-A. GRCh37 (hg19) VCF-style: chr6-129691058-G-A.
Other names: c.4882G>A, p.Ala1628Thr (NM_001079823.2); c.4882G>A (NM_000426.3); short protein forms A1628T.
Identifiers: ClinVar variation 1021049 (VCV001021049.12), dbSNP rs1239378825, ClinGen allele CA365624254.